The following is an entry in ClinVar:

NM_144631.6(ZNF513):c.901G>A (p.Gly301Arg)

Gene: ZNF513 (zinc finger protein 513; minus strand). Cytogenetic location: 2p23.3.
Variant type: single nucleotide variant.
Coding change: c.901G>A on transcript NM_144631.6 (MANE Select); coding-DNA position 901, G replaced by A.
Protein change: p.Gly301Arg; replaces glycine 301 with arginine.
Molecular consequence: missense variant.
Genome position (GRCh38, 1-based): chr2:27,378,270, C>T on the plus strand (G>A on the coding strand, the complement: ZNF513 is on the minus strand). VCF-style: chr2-27378270-C-T. GRCh37 (hg19) VCF-style: chr2-27601137-C-T.
Other names: c.715G>A, p.Gly239Arg (NM_001201459.2); short protein forms G239R, G301R.
Identifiers: ClinVar variation 1983091 (VCV001983091.4), dbSNP rs373537069, ClinGen allele CA1577903.
Genomic context (GRCh38, chr2:27,378,270, plus strand): 5'-GTCCACAGCCCCGGCAGGTCCAAGGGAATAGCAGCTCTGGCAGTGGTTCTGATCCAGTCC[C>T]GCAGAGGCCCTCCCCTTCACCCCGCAGCTGCCCACAGTCTGGCAGGAAACTGGCACCACC-3'
Protein context (NP_653232.3, residues 291-311): QLRGEGEGLC[Gly301Arg]TGSEPLPELL

ClinVar aggregate classification (germline): Uncertain significance (1 of 4 stars; one submission).

Allele frequency attached by ClinVar (database versions not stated): ExAC 0.00001; gnomAD 0.00001.

Submission:

Labcorp Genetics (formerly Invitae), Labcorp
Classification: Uncertain significance. Last evaluated: 2025-05-30. Review status: criteria provided, single submitter. Criteria: Invitae Variant Classification Sherloc (09022015). Collection method: clinical testing. Allele origin: germline.
Comment: This sequence change replaces glycine, which is neutral and non-polar, with arginine, which is basic and polar, at codon 301 of the ZNF513 protein (p.Gly301Arg). This variant is present in population databases (rs373537069, gnomAD 0.009%). This variant has not been reported in the literature in individuals affected with ZNF513-related conditions. ClinVar contains an entry for this variant (Variation ID: 1983091). An algorithm developed to predict the effect of missense changes on protein structure and function (PolyPhen-2) suggests that this variant is likely to be disruptive. In summary, the available evidence is currently insufficient to determine the role of this variant in disease. Therefore, it has been classified as a Variant of Uncertain Significance.